The following is an entry in ClinVar:

NM_001009944.3(PKD1):c.4872C>T (p.Ile1624=)

Gene: PKD1 (polycystin 1, transient receptor potential channel interacting; minus strand). Cytogenetic location: 16p13.3.
Variant type: single nucleotide variant.
Coding change: c.4872C>T on transcript NM_001009944.3 (MANE Select); coding-DNA position 4872, C replaced by T.
Protein change: p.Ile1624=; no amino-acid change (isoleucine 1624 retained).
Molecular consequence: synonymous variant.
Genome position (GRCh38, 1-based): chr16:2,110,295, G>A on the plus strand (C>T on the coding strand, the complement: PKD1 is on the minus strand). VCF-style: chr16-2110295-G-A. GRCh37 (hg19) VCF-style: chr16-2160296-G-A.
Other names: p.Ile1624=; c.4872C>T, p.Ile1624= (NM_000296.4).
Identifiers: ClinVar variation 433964 (VCV000433964.9), dbSNP rs142575178, ClinGen allele CA7832210.

ClinVar aggregate classification (germline): Benign/Likely benign. Review status: criteria provided, multiple submitters, no conflicts (2 of 4 stars). 6 submissions from 6 submitters: Benign (1); Likely benign (3). 2 of the submissions do not count toward it. Last evaluated 2026-05-07.

Conditions:
PKD1-related disorder. Also called: PKD1-related condition.
Polycystic kidney disease. Also called: Kidney, Polycystic; Polycystic kidney dysplasia. Identifiers: MedGen C0022680, MeSH D007690, MONDO:0020642, HP:0000113.

Allele frequency attached by ClinVar (database versions not stated): ExAC 0.00065; gnomAD 0.00188 and 0.00203; TOPMed 0.00226; ESP Exome Variant Server 0.00246; 1000 Genomes Project 30x 0.00265; 1000 Genomes Project 0.00280.
gnomAD v4.1: 592 of 1,612,654 alleles (0.037%); highest among the groups gnomAD compares: African/African-American, 0.73%; 3 homozygotes.

Submissions (6):

Women's Health and Genetics/Laboratory Corporation of America, LabCorp
Classification: Likely benign. Last evaluated: 2026-05-07. Review status: criteria provided, single submitter. Criteria: LabCorp Variant Classification Summary - May 2015. Collection method: clinical testing. Allele origin: germline.

Mayo Clinic Laboratories, Mayo Clinic
Classification: Likely benign. Last evaluated: 2025-01-21. Review status: criteria provided, single submitter. Criteria: ACMG Guidelines, 2015. Collection method: clinical testing. Allele origin: germline. Observed: 2 variant alleles.
Comment: BS1, BP4, BP7

Blueprint Genetics
Classification: Likely benign. Last evaluated: 2024-09-02. Review status: criteria provided, single submitter. Criteria: ACMG Guidelines, 2015. Collection method: clinical testing. Allele origin: germline.

Athena Diagnostics
Classification: Benign. Last evaluated: 2019-09-20. Review status: criteria provided, single submitter. Criteria: Athena Diagnostics Criteria. Collection method: clinical testing. Allele origin: unknown.

PreventionGenetics, part of Exact Sciences
Classification: Benign for PKD1-related condition. Last evaluated: 2019-12-16. Review status: no assertion criteria provided. Collection method: clinical testing. Allele origin: germline. Not counted in ClinVar's aggregate classification.
Comment: This variant is classified as benign based on ACMG/AMP sequence variant interpretation guidelines (Richards et al. 2015 PMID: 25741868, with internal and published modifications).

Department of Pathology and Laboratory Medicine, Sinai Health System
Classification: Benign for Polycystic Kidney disease. Review status: no assertion criteria provided. Collection method: clinical testing. Allele origin: unknown. Affected: yes. Observed: 1 variant allele. Study: The Canadian Open Genetics Repository (COGR). Not counted in ClinVar's aggregate classification.
Comment: The PKD1 p.Ile1624Ile variant was not identified in the literature nor was it identified in the Clinvitae, ClinVar, GeneInsight COGR, MutDB, PKD1-LOVD and PKD1-LOVD 3.0 databases nor was it identified in the NHLBI GO Exome Sequencing Project. The variant was identified in the ADPKD Mutation Database as likely neutral. The variant was also identified in dbSNP (ID: rs142575178) as â€šÃ„ÃºNAâ€šÃ„Ã¹, in the 1000 Genomes Project in 14 of 500 chromosomes (frequency: 0.028), in the Exome Aggregation Consortium database (August 8, 2016) in 77 of 118592 chromosomes (frequency: 0.0006) in the following populations: African in 76 of 9904 chromosomes (frequency: 0.008) and European (Non-Finnish) in 1 of 61652 chromosomes (frequency: 0.00002), but was not seen in East Asian, European (Finnish), Latino and South Asian populations. In addition we cannot be certain that data from control databases is specific to PKD1 and not from one of the six PKD1 pseudogenes. The p.Ile1624Ile variant is not expected to have clinical significance because it does not result in a change of amino acid and is not located in a known consensus splice site. In addition, in silico or computational prediction software programs (SpliceSiteFinder, MaxEntScan, NNSPLICE, GeneSplicer, HumanSpliceFinder) do not predict a difference in splicing. In summary, based on the above information, this variant meets our laboratory criteria to be classified as benign.